The following is an entry in ClinVar:

NM_015267.4(CUX2):c.2011A>G (p.Lys671Glu)

Gene: CUX2 (cut like homeobox 2; plus strand). Cytogenetic location: 12q24.12.
Variant type: single nucleotide variant.
Coding change: c.2011A>G on transcript NM_015267.4 (MANE Select); coding-DNA position 2011, A replaced by G.
Protein change: p.Lys671Glu; replaces lysine 671 with glutamic acid.
Molecular consequence: missense variant.
Genome position (GRCh38, 1-based): chr12:111,320,020, A>G. VCF-style: chr12-111320020-A-G. GRCh37 (hg19) VCF-style: chr12-111757824-A-G.
Other names: c.1825A>G, p.Lys609Glu (NM_001370598.1); short protein forms K609E, K671E.
Identifiers: ClinVar variation 2579985 (VCV002579985.1), dbSNP rs2499865577, ClinGen allele CA386711383.

ClinVar aggregate classification (germline): Uncertain significance (1 of 4 stars; one submission).

Submission:

GeneDx
Classification: Uncertain significance. Last evaluated: 2023-07-20. Review status: criteria provided, single submitter. Criteria: GeneDx Variant Classification Process June 2021. Collection method: clinical testing. Allele origin: germline. Affected: yes.
Comment: Not observed at significant frequency in large population cohorts (gnomAD); In silico analysis supports that this missense variant does not alter protein structure/function; Has not been previously published as pathogenic or benign to our knowledge; This variant is associated with the following publications: (PMID: 27535533)